The following is an entry in ClinVar:

ClinVar aggregate classification (germline): Likely benign (0 of 4 stars; one submission).

Conditions:
MYOF-related disorder. Also called: MYOF-related condition.

Allele frequency attached by ClinVar (database versions not stated): 1000 Genomes Project 0.00120; 1000 Genomes Project 30x 0.00125; ESP Exome Variant Server 0.00223; TOPMed 0.00246.
gnomAD v4.1: 592 of 1,613,430 alleles (0.037%); highest among the groups gnomAD compares: African/African-American, 0.73%; 1 homozygote.

Submission:

PreventionGenetics, part of Exact Sciences
Classification: Likely benign for MYOF-related condition. Last evaluated: 2019-02-19. Review status: no assertion criteria provided. Collection method: clinical testing. Allele origin: germline.
Comment: This variant is classified as likely benign based on ACMG/AMP sequence variant interpretation guidelines (Richards et al. 2015 PMID: 25741868, with internal and published modifications).

NM_013451.4(MYOF):c.341C>T (p.Thr114Ile)

Gene: MYOF (myoferlin; minus strand). Cytogenetic location: 10q23.33.
Variant type: single nucleotide variant.
Coding change: c.341C>T on transcript NM_013451.4 (MANE Select); coding-DNA position 341, C replaced by T.
Protein change: p.Thr114Ile; replaces threonine 114 with isoleucine.
Molecular consequence: missense variant.
Genome position (GRCh38, 1-based): chr10:93,431,412, G>A on the plus strand (C>T on the coding strand, the complement: MYOF is on the minus strand). VCF-style: chr10-93431412-G-A. GRCh37 (hg19) VCF-style: chr10-95191169-G-A.
Other names: c.341C>T, p.Thr114Ile (NM_133337.3); short protein forms T114I.
Identifiers: ClinVar variation 3035816 (VCV003035816.2), dbSNP rs201492572, ClinGen allele CA5608652.